The following is an entry in ClinVar:

NM_000142.5(FGFR3):c.1537G>T (p.Asp513Tyr)

Gene: FGFR3 (fibroblast growth factor receptor 3; plus strand). Cytogenetic location: 4p16.3.
Variant type: single nucleotide variant.
Coding change: c.1537G>T on transcript NM_000142.5 (MANE Select); coding-DNA position 1537, G replaced by T.
Protein change: p.Asp513Tyr; replaces aspartic acid 513 with tyrosine.
Molecular consequence: missense variant. On other transcripts: non-coding transcript variant (1).
Genome position (GRCh38, 1-based): chr4:1,805,561, G>T. VCF-style: chr4-1805561-G-T. GRCh37 (hg19) VCF-style: chr4-1807288-G-T.
Other names: c.1543G>T, p.Asp515Tyr (NM_001163213.2); c.1540G>T, p.Asp514Tyr (NM_001354809.2, NM_001354810.2); c.1201G>T, p.Asp401Tyr (NM_022965.4); short protein forms D401Y, D513Y, D515Y, D514Y.
Identifiers: ClinVar variation 3015139 (VCV003015139.5), dbSNP rs121913112, ClinGen allele CA355981400.
Genomic context (GRCh38, chr4:1,805,561, plus strand): 5'-CAGAGCAGGGCTGGGGGCGCCGCCGCCGCCTGACACAGGCCCCCCGCTCCGTGCACAGAC[G>T]ATGCCACTGACAAGGACCTGTCGGACCTGGTGTCTGAGATGGAGATGATGAAGATGATCG-3'
Protein context (NP_000133.1, residues 503-523): VTVAVKMLKD[Asp513Tyr]ATDKDLSDLV

ClinVar aggregate classification (germline): Uncertain significance. Review status: criteria provided, multiple submitters, no conflicts (2 of 4 stars). 3 submissions from 3 submitters: Uncertain significance (3). Last evaluated 2026-06-23.

Conditions:
FGFR3-related chondrodysplasia. Identifiers: Orphanet 93420, MedGen C5681604, MONDO:0019685.
Levy-Hollister syndrome (LADD). Also called: LADD syndrome. Identifiers: Orphanet 2363, MedGen C0265269, MONDO:0007872.

gnomAD v4.1: 1 of 1,613,144 alleles (0.000062%); highest among the groups gnomAD compares: Non-Finnish European, 0.000085%; no homozygotes.

Submissions (3):

Genomenon, Inc
Classification: Uncertain significance for FGFR3-related chondrodysplasia. Last evaluated: 2026-06-23. Review status: criteria provided, single submitter. Criteria: Genomenon Sequence Variant Interpretation Standards - Updated. Collection method: curation. Allele origin: germline. Affected: no.
Comment: FGFR3 p.Asp513Tyr (c.1537G>T) is a missense variant that changes the amino acid at codon 513 from Aspartic acid to Tyrosine. This variant has been reported in the published literature (PMID:33100332;38139401). It is absent or not present at a significant frequency in gnomAD. In silico models predict that this variant is possibly or probably damaging. In conclusion, we classify FGFR3 p.Asp513Tyr (c.1537G>T) as a variant of uncertain significance.

Labcorp Genetics (formerly Invitae), Labcorp
Classification: Uncertain significance. Last evaluated: 2023-09-04. Review status: criteria provided, single submitter. Criteria: Invitae Variant Classification Sherloc (09022015). Collection method: clinical testing. Allele origin: germline.
Comment: This variant is not present in population databases (gnomAD no frequency). This sequence change replaces aspartic acid, which is acidic and polar, with tyrosine, which is neutral and polar, at codon 513 of the FGFR3 protein (p.Asp513Tyr). This variant has not been reported in the literature in individuals affected with FGFR3-related conditions. In summary, the available evidence is currently insufficient to determine the role of this variant in disease. Therefore, it has been classified as a Variant of Uncertain Significance. An algorithm developed to predict the effect of missense changes on protein structure and function (PolyPhen-2) suggests that this variant is likely to be disruptive.

Victorian Clinical Genetics Services, Murdoch Childrens Research Institute
Classification: Uncertain significance for Levy-Hollister syndrome. Last evaluated: 2020-05-25. Review status: criteria provided, single submitter. Criteria: ACMG Guidelines, 2015. Collection method: clinical testing. Allele origin: germline.
Comment: A heterozygous missense variant was identified, NM_000142.4(FGFR3):c.1537G>T in exon 12 of 18 of the FGFR3 gene. This substitution is predicted to create a major amino acid change from an aspartic acid to a tyrosine at position 513 of the protein; NP_000133.1(FGFR3):p.(Asp513Tyr). The aspartic acid at this position has low conservation (100 vertebrates, UCSC), and is located within the protein kinase domain (NCBI, PDB). In silico software predicts this variant to be damaging (Polyphen, SIFT, CADD, Mutation Taster). The variant is not present in the gnomAD population database however, three alternative residue changes have been reported in the gnomAD database at the highest frequency of 0.005%. This variant has not previously been reported in clinical cases. A different variant in the same codon resulting in a change to an asparagine has been shown to cause LADD syndrome (Rohmann E. et al. (2006), ClinVar). Based on information available at the time of curation, this variant has been classified as a VUS.

Literature cited by the submitters: PubMed 33100332 (cited by Genomenon, Inc); PubMed 38139401 (cited by Genomenon, Inc).